The following is an entry in ClinVar:

NM_018671.5(UNC45A):c.1085C>T (p.Ala362Val)

Gene: UNC45A (unc-45 myosin chaperone A; plus strand). Cytogenetic location: 15q26.1.
Variant type: single nucleotide variant.
Coding change: c.1085C>T on transcript NM_018671.5 (MANE Select); coding-DNA position 1085, C replaced by T.
Protein change: p.Ala362Val; replaces alanine 362 with valine.
Molecular consequence: missense variant.
Genome position (GRCh38, 1-based): chr15:90,944,949, C>T. VCF-style: chr15-90944949-C-T. GRCh37 (hg19) VCF-style: chr15-91488179-C-T.
Other names: c.1040C>T, p.Ala347Val (NM_001039675.2, NM_001323621.2); c.1085C>T, p.Ala362Val (NM_001323619.1); c.650C>T, p.Ala217Val (NM_001323620.2); short protein forms A362V, A217V, A347V.
Identifiers: ClinVar variation 1930486 (VCV001930486.2), dbSNP rs985122593, ClinGen allele CA274745387.
Genomic context (GRCh38, chr15:90,944,949, plus strand): 5'-CAGGTCTGAAAAAGATTTTGGAAGTGGGGGGCTCTCTACAGGACCCTCCTGGGGAGCTCG[C>T]AGTGACCGCAAACAGCCGCATGAGCGCCTCTATTCTCCTCAGCAAGCTCTTTGATGACCT-3'
Protein context (NP_061141.2, residues 352-372): GSLQDPPGEL[Ala362Val]VTANSRMSAS

ClinVar aggregate classification (germline): Uncertain significance (1 of 4 stars; one submission).

Allele frequency attached by ClinVar (database versions not stated): gnomAD exomes 0.00001; TOPMed 0.00001.
gnomAD v4.1: 8 of 1,612,610 alleles (0.0005%); highest among the groups gnomAD compares: Non-Finnish European, 0.00059%; no homozygotes.

Submission:

Labcorp Genetics (formerly Invitae), Labcorp
Classification: Uncertain significance. Last evaluated: 2022-06-24. Review status: criteria provided, single submitter. Criteria: Invitae Variant Classification Sherloc (09022015). Collection method: clinical testing. Allele origin: germline.
Comment: This sequence change replaces alanine, which is neutral and non-polar, with valine, which is neutral and non-polar, at codon 362 of the UNC45A protein (p.Ala362Val). This variant is not present in population databases (gnomAD no frequency). This variant has not been reported in the literature in individuals affected with UNC45A-related conditions. Algorithms developed to predict the effect of missense changes on protein structure and function are either unavailable or do not agree on the potential impact of this missense change (SIFT: "Not Available"; PolyPhen-2: "Benign"; Align-GVGD: "Not Available"). In summary, the available evidence is currently insufficient to determine the role of this variant in disease. Therefore, it has been classified as a Variant of Uncertain Significance.